The following is an entry in ClinVar:

ClinVar aggregate classification (germline): Likely benign. Review status: criteria provided, single submitter (1 of 4 stars). 2 submissions from 2 submitters: Likely benign (1). 1 of the submissions does not count toward it. Last evaluated 2018-10-16.

Conditions:
UBA1-related disorder. Also called: UBA1-related condition.
Infantile-onset X-linked spinal muscular atrophy. Also called: AMC, DISTAL, X-LINKED; ARTHROGRYPOSIS, X-LINKED, TYPE I; Spinal muscular atrophy, X-linked 2; SPINAL MUSCULAR ATROPHY, X-LINKED LETHAL INFANTILE; Spinal Muscular Atrophy, X-Linked Infantile. Identifiers: Orphanet 1145, MedGen C1844934, MONDO:0010532, OMIM 301830.

Allele frequency attached by ClinVar (database versions not stated): ExAC 0.00001; gnomAD exomes 0.00002 and 0.00003.
gnomAD v4.1: 37 of 1,211,890 alleles (0.0031%); highest among the groups gnomAD compares: Non-Finnish European, 0.0035%; no homozygotes.

Submissions (2):

Labcorp Genetics (formerly Invitae), Labcorp
Classification: Likely benign for Infantile-onset X-linked spinal muscular atrophy. Last evaluated: 2018-10-16. Review status: criteria provided, single submitter. Criteria: Invitae Variant Classification Sherloc (09022015). Collection method: clinical testing. Allele origin: germline.

PreventionGenetics, part of Exact Sciences
Classification: Likely benign for UBA1-related condition. Last evaluated: 2019-07-08. Review status: no assertion criteria provided. Collection method: clinical testing. Allele origin: germline. Not counted in ClinVar's aggregate classification.
Comment: This variant is classified as likely benign based on ACMG/AMP sequence variant interpretation guidelines (Richards et al. 2015 PMID: 25741868, with internal and published modifications).

NM_003334.4(UBA1):c.687C>T (p.Pro229=)

Gene: UBA1 (ubiquitin like modifier activating enzyme 1; plus strand). Cytogenetic location: Xp11.3.
Variant type: single nucleotide variant.
Coding change: c.687C>T on transcript NM_003334.4 (MANE Select); coding-DNA position 687, C replaced by T.
Protein change: p.Pro229=; no amino-acid change (proline 229 retained).
Molecular consequence: synonymous variant.
Genome position (GRCh38, 1-based): chrX:47,201,486, C>T. VCF-style: chrX-47201486-C-T. GRCh37 (hg19) VCF-style: chrX-47060885-C-T.
Other names: c.687C>T, p.Pro229= (NM_153280.3).
Identifiers: ClinVar variation 746977 (VCV000746977.10), dbSNP rs782311444, ClinGen allele CA10395738.
Genomic context (GRCh38, chrX:47,201,486, plus strand): 5'-CTGCTCTTGGTACCCTGGGCCTGTTTCTGAGACTCACTCTTCCTTTAACCAGGACAACCC[C>T]GGTGTGGTTACCTGCCTGGATGAGGCCCGACACGGGTTTGAGAGCGGGGACTTTGTCTCC-3'
Protein context (NP_003325.2, residues 219-239): AMVSMVTKDN[Pro229=]GVVTCLDEAR